The following is an entry in ClinVar:

NM_001370259.2(MEN1):c.913-65_913-14del

Gene: MEN1 (menin 1; minus strand). Cytogenetic location: 11q13.1.
Variant type: Deletion.
Coding change: c.913-65_913-14del on transcript NM_001370259.2 (MANE Select); 65 bases into the intron before coding-DNA position 913 through 14 bases into the intron before coding-DNA position 913, 52 bases deleted.
Molecular consequence: intron variant.
Genome position (GRCh38, 1-based): chr11:64,806,382-64,806,433, 52 bases deleted. GRCh37 (hg19): chr11:64,573,854-64,573,905.
Other names: c.928-65_928-14delGCATTTGTGCCAGCAGGGCAGCTGGGGCTGCCTCCCTGAGGATCCTCTGCCT (NM_130804.2); c.928-65_928-14del (NM_130804.3, NM_130803.3, NM_000244.4 and 3 more transcripts); c.913-65_913-14del (NM_130799.3, NM_001370260.2, NM_001370251.2 and 1 more transcripts); c.808-65_808-14del (NM_001370263.2, NM_001370262.2).
Identifiers: ClinVar variation 439891 (VCV000439891.10), dbSNP rs1555165154, ClinGen allele CA645509453.

ClinVar aggregate classification (germline): Uncertain significance. Review status: criteria provided, multiple submitters, no conflicts (2 of 4 stars). 2 submissions from 2 submitters: Uncertain significance (2). Last evaluated 2025-07-08.

Conditions:
Multiple endocrine neoplasia, type 1 (MEN1). Also called: MEA I; MEN I; WERMER SYNDROME; Endocrine adenomatosis multiple; MEN 1. Identifiers: Orphanet 652, MedGen C0025267, MeSH D018761, MONDO:0007540, OMIM 131100.

Submissions (2):

Labcorp Genetics (formerly Invitae), Labcorp
Classification: Uncertain significance for Multiple endocrine neoplasia, type 1. Last evaluated: 2025-07-08. Review status: criteria provided, single submitter. Criteria: Invitae Variant Classification Sherloc (09022015). Collection method: clinical testing. Allele origin: germline.
Comment: This sequence change falls in intron 6 of the MEN1 gene. It does not directly change the encoded amino acid sequence of the MEN1 protein. This variant is not present in population databases (gnomAD no frequency). This variant has not been reported in the literature in individuals affected with MEN1-related conditions. ClinVar contains an entry for this variant (Variation ID: 439891). In summary, the available evidence is currently insufficient to determine the role of this variant in disease. Therefore, it has been classified as a Variant of Uncertain Significance.

ARUP Laboratories, Molecular Genetics and Genomics, ARUP Laboratories
Classification: Uncertain significance. Last evaluated: 2016-11-16. Review status: criteria provided, single submitter. Criteria: ARUP Molecular Germline Variant Investigation Process. Collection method: clinical testing. Allele origin: germline.